The following is an entry in ClinVar:

NM_001267550.2(TTN):c.103585G>T (p.Glu34529Ter)

Genes: TTN (titin; minus strand), TTN-AS1 (TTN antisense RNA 1; plus strand). Cytogenetic location: 2q31.2.
Variant type: single nucleotide variant.
Coding change: c.103585G>T on transcript NM_001267550.2 (MANE Select); coding-DNA position 103585, G replaced by T.
Protein change: p.Glu34529Ter; replaces glutamic acid 34529 with a stop codon.
Molecular consequence: nonsense.
Genome position (GRCh38, 1-based): chr2:178,533,030, C>A on the plus strand (G>T on the coding strand, the complement: TTN is on the minus strand). VCF-style: chr2-178533030-C-A. GRCh37 (hg19) VCF-style: chr2-179397757-C-A.
Other names: c.98662G>T, p.Glu32888Ter (NM_001256850.1); c.76390G>T, p.Glu25464Ter (NM_003319.4); c.95881G>T, p.Glu31961Ter (NM_133378.4); c.76765G>T, p.Glu25589Ter (NM_133432.3); c.76966G>T, p.Glu25656Ter (NM_133437.4); short protein forms E25464*, E25589*, E25656*, E31961*, E32888*, E34529*.
Identifiers: ClinVar variation 3775091 (VCV003775091.1).

ClinVar aggregate classification (germline): Likely pathogenic (1 of 4 stars; one submission).

Conditions:
Dilated cardiomyopathy 1G (CMD1G). Identifiers: Orphanet 154, MedGen C1858763, MONDO:0011400, OMIM 604145.

Submission:

Institute of Human Genetics, FAU Erlangen, Friedrich-Alexander-Universität Erlangen-Nürnberg
Classification: Likely pathogenic for Dilated cardiomyopathy 1G. Last evaluated: 2025-04-07. Review status: criteria provided, single submitter. Criteria: Hauer et al. (Genet Med. 2018). Collection method: clinical testing. Allele origin: germline. Inheritance: Unknown mechanism. Affected: yes. Observed: 1 variant allele.
Comment: This variant has been identified by standard clinical testing. Selected ACMG criteria: Likely pathogenic (I):PM2;PVS1